The following is an entry in ClinVar:

ClinVar aggregate classification (germline): Uncertain significance (1 of 4 stars; one submission).

Allele frequency attached by ClinVar (database versions not stated): gnomAD exomes below 0.00001; TOPMed below 0.00001.

Submission:

Labcorp Genetics (formerly Invitae), Labcorp
Classification: Uncertain significance. Last evaluated: 2022-11-01. Review status: criteria provided, single submitter. Criteria: Invitae Variant Classification Sherloc (09022015). Collection method: clinical testing. Allele origin: germline.
Comment: This sequence change replaces proline, which is neutral and non-polar, with arginine, which is basic and polar, at codon 456 of the TIMM50 protein (p.Pro456Arg). This variant is not present in population databases (gnomAD no frequency). This variant has not been reported in the literature in individuals affected with TIMM50-related conditions. ClinVar contains an entry for this variant (Variation ID: 1393653). Algorithms developed to predict the effect of missense changes on protein structure and function are either unavailable or do not agree on the potential impact of this missense change (SIFT: "Not Available"; PolyPhen-2: "Possibly Damaging"; Align-GVGD: "Not Available"). In summary, the available evidence is currently insufficient to determine the role of this variant in disease. Therefore, it has been classified as a Variant of Uncertain Significance.

NM_001001563.5(TIMM50):c.1058C>G (p.Pro353Arg)

Gene: TIMM50 (translocase of inner mitochondrial membrane 50; plus strand). Cytogenetic location: 19q13.2.
Variant type: single nucleotide variant.
Coding change: c.1058C>G on transcript NM_001001563.5 (MANE Select); coding-DNA position 1058, C replaced by G.
Protein change: p.Pro353Arg; replaces proline 353 with arginine.
Molecular consequence: missense variant.
Genome position (GRCh38, 1-based): chr19:39,489,816, C>G. VCF-style: chr19-39489816-C-G. GRCh37 (hg19) VCF-style: chr19-39980456-C-G.
Other names: c.719C>G, p.Pro240Arg (NM_001329559.2); short protein forms P240R, P353R.
Identifiers: ClinVar variation 1393653 (VCV001393653.6), dbSNP rs1306787728, ClinGen allele CA405790989.